The following is an entry in ClinVar:

NM_015910.7(WDPCP):c.878C>G (p.Thr293Ser)

Gene: WDPCP (WD repeat containing planar cell polarity effector; minus strand). Cytogenetic location: 2p15.
Variant type: single nucleotide variant.
Coding change: c.878C>G on transcript NM_015910.7 (MANE Select); coding-DNA position 878, C replaced by G.
Protein change: p.Thr293Ser; replaces threonine 293 with serine.
Molecular consequence: missense variant. On other transcripts: non-coding transcript variant (3).
Genome position (GRCh38, 1-based): chr2:63,404,605, G>C on the plus strand (C>G on the coding strand, the complement: WDPCP is on the minus strand). VCF-style: chr2-63404605-G-C. GRCh37 (hg19) VCF-style: chr2-63631740-G-C.
Other names: c.401C>G, p.Thr134Ser (NM_001042692.3); c.806C>G, p.Thr269Ser (NM_001354044.2); c.878C>G, p.Thr293Ser (NM_001354045.2); short protein forms T293S, T134S, T269S.
Identifiers: ClinVar variation 577208 (VCV000577208.11), dbSNP rs765923597, ClinGen allele CA1682316.

ClinVar aggregate classification (germline): Uncertain significance. Review status: criteria provided, multiple submitters, no conflicts (2 of 4 stars). 4 submissions from 4 submitters: Uncertain significance (3). 1 of the submissions does not count toward it. Last evaluated 2024-04-20.

Conditions:
Bardet-Biedl syndrome 15 (BBS15). Identifiers: Orphanet 110, MedGen C3150127, MONDO:0014443, OMIM 615992.
Heart defect - tongue hamartoma - polysyndactyly syndrome. Also called: Congenital heart defects, hamartomas of tongue, and polysyndactyly. Identifiers: Orphanet 1338, MedGen C1857587, MONDO:0009008, OMIM 217085.
WDPCP-related disorder. Also called: WDPCP-related condition.
Bardet-Biedl syndrome (BBS). Identifiers: Orphanet 110, MedGen C0752166, MONDO:0015229.

Allele frequency attached by ClinVar (database versions not stated): ExAC 0.00001; gnomAD exomes 0.00003 and 0.00004; gnomAD 0.00007 and 0.00008; TOPMed 0.00011.
gnomAD v4.1: 65 of 1,613,970 alleles (0.004%); highest among the groups gnomAD compares: Middle Eastern, 0.016%; no homozygotes.

Submissions (4):

Fulgent Genetics
Classification: Uncertain significance for Heart defect - tongue hamartoma - polysyndactyly syndrome; Bardet-Biedl syndrome 15. Last evaluated: 2024-04-20. Review status: criteria provided, single submitter. Criteria: ACMG Guidelines, 2015. Collection method: clinical testing. Allele origin: germline.

Labcorp Genetics (formerly Invitae), Labcorp
Classification: Uncertain significance for Bardet-Biedl syndrome. Last evaluated: 2022-09-27. Review status: criteria provided, single submitter. Criteria: Invitae Variant Classification Sherloc (09022015). Collection method: clinical testing. Allele origin: germline.
Comment: This sequence change replaces threonine, which is neutral and polar, with serine, which is neutral and polar, at codon 293 of the WDPCP protein (p.Thr293Ser). This variant is present in population databases (rs765923597, gnomAD 0.02%). This variant has not been reported in the literature in individuals affected with WDPCP-related conditions. ClinVar contains an entry for this variant (Variation ID: 577208). Advanced modeling of protein sequence and biophysical properties (such as structural, functional, and spatial information, amino acid conservation, physicochemical variation, residue mobility, and thermodynamic stability) performed at Invitae indicates that this missense variant is not expected to disrupt WDPCP protein function. Algorithms developed to predict the effect of sequence changes on RNA splicing suggest that this variant may create or strengthen a splice site. In summary, the available evidence is currently insufficient to determine the role of this variant in disease. Therefore, it has been classified as a Variant of Uncertain Significance.

Illumina Laboratory Services, Illumina
Classification: Uncertain significance for Bardet-Biedl syndrome 15. Last evaluated: 2018-01-13. Review status: criteria provided, single submitter. Criteria: ICSL Variant Classification Criteria 13 December 2019. Collection method: clinical testing. Allele origin: germline.

PreventionGenetics, part of Exact Sciences
Classification: Uncertain significance for WDPCP-related condition. Last evaluated: 2024-08-26. Review status: no assertion criteria provided. Collection method: clinical testing. Allele origin: germline. Not counted in ClinVar's aggregate classification.
Comment: The WDPCP c.878C>G variant is predicted to result in the amino acid substitution p.Thr293Ser. To our knowledge, this variant has not been reported in the literature. This variant is reported in 0.030% of alleles in individuals of Ashkenazi Jewish descent in gnomAD. At this time, the clinical significance of this variant is uncertain due to the absence of conclusive functional and genetic evidence.